The following is an entry in ClinVar:

ClinVar aggregate classification (germline): Pathogenic. Review status: criteria provided, multiple submitters, no conflicts (2 of 4 stars). 2 submissions from 2 submitters: Pathogenic (2). Last evaluated 2025-08-29.

Conditions:
Hypophosphatasia. Also called: Phosphoethanol-aminuria. Identifiers: Orphanet 436, MedGen C0020630, MeSH D007014, MONDO:0018570.
ALPL-related disorder. Also called: ALPL-related condition; ALPL-related disorders.

gnomAD v4.1: 1 of 1,614,082 alleles (0.000062%); highest among the groups gnomAD compares: Non-Finnish European, 0.000085%; no homozygotes.

Submissions (2):

Genomenon, Inc
Classification: Pathogenic for Hypophosphatasia. Last evaluated: 2025-08-29. Review status: criteria provided, single submitter. Criteria: Genomenon Sequence Variant Interpretation Standards. Collection method: curation. Allele origin: germline. Affected: yes.
Comment: ALPL c.511C>T is a missense variant that changes the amino acid at residue 171 from Histidine to Tyrosine. This variant has been observed in at least one proband affected with hypophosphatasia (PMID:10094560). It has been observed in trans with a pathogenic variant (PMID:10094560). At least one functional study has demonstrated a substantial alteration in protein function relative to the wild-type (PMID:10332035). This variant has also been described as His154Tyr in the literature. It is absent or not present at a significant frequency in gnomAD. In silico models agree that this variant is possibly or probably damaging. In conclusion, we classify ALPL p.His171Tyr (c.511C>T) as a pathogenic variant.

Greenwood Genetic Center Diagnostic Laboratories, Greenwood Genetic Center
Classification: Pathogenic for ALPL-related disorder. Last evaluated: 2024-09-09. Review status: criteria provided, single submitter. Criteria: ACMG Guidelines, 2015. Collection method: clinical testing. Allele origin: germline. Affected: yes.
Comment: PS3, PM1, PM2, PM3, PM5

Literature cited by the submitters: PubMed 10094560 (cited by Genomenon, Inc); PubMed 10332035 (cited by Genomenon, Inc).

NM_000478.6(ALPL):c.511C>T (p.His171Tyr)

Gene: ALPL (alkaline phosphatase, biomineralization associated; plus strand). Cytogenetic location: 1p36.12.
Variant type: single nucleotide variant.
Coding change: c.511C>T on transcript NM_000478.6 (MANE Select); coding-DNA position 511, C replaced by T.
Protein change: p.His171Tyr; replaces histidine 171 with tyrosine.
Molecular consequence: missense variant.
Genome position (GRCh38, 1-based): chr1:21,564,079, C>T. VCF-style: chr1-21564079-C-T. GRCh37 (hg19) VCF-style: chr1-21890572-C-T.
Other names: c.346C>T, p.His116Tyr (NM_001127501.4); c.280C>T, p.His94Tyr (NM_001177520.3); c.511C>T, p.His171Tyr (NM_001369803.2, NM_001369804.2, NM_001369805.2); short protein forms H116Y, H171Y, H94Y.
Identifiers: ClinVar variation 3765634 (VCV003765634.2).